The following is an entry in ClinVar:

NM_001368894.2(PAX6):c.956C>T (p.Pro319Leu)

Gene: PAX6 (paired box 6; minus strand). Cytogenetic location: 11p13.
Variant type: single nucleotide variant.
Coding change: c.956C>T on transcript NM_001368894.2 (MANE Select); coding-DNA position 956, C replaced by T.
Protein change: p.Pro319Leu; replaces proline 319 with leucine.
Molecular consequence: missense variant. On other transcripts: non-coding transcript variant (2).
Genome position (GRCh38, 1-based): chr11:31,793,654, G>A on the plus strand (C>T on the coding strand, the complement: PAX6 is on the minus strand). VCF-style: chr11-31793654-G-A. GRCh37 (hg19) VCF-style: chr11-31815202-G-A.
Other names: c.914C>T, p.Pro305Leu (NM_000280.6, NM_001127612.3, NM_001258464.2 and 10 more transcripts); c.956C>T, p.Pro319Leu (NM_001258462.3, NM_001258463.2, NM_001310158.2 and 6 more transcripts); c.506C>T, p.Pro169Leu (NM_001310160.2, NM_001310161.3, NM_001368899.2 and 11 more transcripts); c.1157C>T, p.Pro386Leu (NM_001368910.2); c.959C>T, p.Pro320Leu (NM_001368911.2); c.1031C>T, p.Pro344Leu (NM_001368918.2, NM_001368919.2); c.989C>T, p.Pro330Leu (NM_001368920.2); c.755C>T, p.Pro252Leu (NM_001368921.2, NM_001368922.2, NM_001368923.2 and 4 more transcripts); and 2 more; short protein forms P104L, P169L, P252L, P320L, P238L, P305L, P344L, P386L.
Identifiers: ClinVar variation 1440735 (VCV001440735.8), dbSNP rs759150602, ClinGen allele CA5933782.
Genomic context (GRCh38, chr11:31,793,654, plus strand): 5'-GAGCCCGGAGCAAACAGGTTTAAAGACATTGATTCGTAGTATTAGTATTTCAAATTACCC[G>A]GTGTGGTGGGTTGTGGAATTGGTTGGTAGACACTGGTGCTGAAACTACTGCTGATAGGAA-3'
Protein context (NP_001355823.1, residues 309-329): VYQPIPQPTT[Pro319Leu]VSSFTSGSML

ClinVar aggregate classification (germline): Uncertain significance (1 of 4 stars; one submission).

Conditions:
Irido-corneo-trabecular dysgenesis (ASGD5). Also called: ANTERIOR SEGMENT DYSGENESIS 5. Identifiers: Orphanet 708, MedGen C0344559, MONDO:0011414, OMIM 604229, HP:0000659.
Aniridia 1 (AN1). Identifiers: Orphanet 250923, MedGen C0344542, MONDO:0024507, OMIM 106210.

Allele frequency attached by ClinVar (database versions not stated): TOPMed below 0.00001; gnomAD 0.00002 and 0.00003; gnomAD exomes 0.00002; ExAC 0.00003.
gnomAD v4.1: 23 of 1,614,004 alleles (0.0014%); highest among the groups gnomAD compares: South Asian, 0.0077%; no homozygotes.

Submission:

Labcorp Genetics (formerly Invitae), Labcorp
Classification: Uncertain significance for Aniridia 1; Irido-corneo-trabecular dysgenesis. Last evaluated: 2024-07-24. Review status: criteria provided, single submitter. Criteria: Invitae Variant Classification Sherloc (09022015). Collection method: clinical testing. Allele origin: germline.
Comment: This sequence change replaces proline, which is neutral and non-polar, with leucine, which is neutral and non-polar, at codon 305 of the PAX6 protein (p.Pro305Leu). This variant is present in population databases (rs759150602, gnomAD 0.01%). This variant has not been reported in the literature in individuals affected with PAX6-related conditions. ClinVar contains an entry for this variant (Variation ID: 1440735). An algorithm developed to predict the effect of missense changes on protein structure and function (PolyPhen-2) suggests that this variant is likely to be disruptive. In summary, the available evidence is currently insufficient to determine the role of this variant in disease. Therefore, it has been classified as a Variant of Uncertain Significance.